The following is an entry in ClinVar:

NM_198578.4(LRRK2):c.7568G>A (p.Arg2523Gln)

Gene: LRRK2 (leucine rich repeat kinase 2; plus strand). Cytogenetic location: 12q12.
Variant type: single nucleotide variant.
Coding change: c.7568G>A on transcript NM_198578.4 (MANE Select); coding-DNA position 7568, G replaced by A.
Protein change: p.Arg2523Gln; replaces arginine 2523 with glutamine.
Molecular consequence: missense variant.
Genome position (GRCh38, 1-based): chr12:40,367,749, G>A. VCF-style: chr12-40367749-G-A. GRCh37 (hg19) VCF-style: chr12-40761551-G-A.
Other names: short protein forms R2523Q.
Identifiers: ClinVar variation 3664585 (VCV003664585.2).
Genomic context (GRCh38, chr12:40,367,749, plus strand): 5'-AAGTGCAAAATTTAGAAAAACACATTGAAGTGAGAAAAGAATTAGCTGAAAAAATGAGAC[G>A]AACATCTGTTGAGTAAGAGAGAAATAGGAATTGTCTTTGGATAGGAAAATTATTCTCTCC-3'
Protein context (NP_940980.4, residues 2513-2527): VRKELAEKMR[Arg2523Gln]TSVE

ClinVar aggregate classification (germline): Uncertain significance (1 of 4 stars; one submission).

Conditions:
Autosomal dominant Parkinson disease 8. Also called: Parkinson disease 8, susceptibility to; LRRK2-Related Parkinson Disease; Parkinson disease 8. Identifiers: Orphanet 411602, MedGen C1846862, MONDO:0011764, OMIM 607060.

gnomAD v4.1: 25 of 1,604,736 alleles (0.0016%); highest among the groups gnomAD compares: Non-Finnish European, 0.002%; no homozygotes.

Submission:

Labcorp Genetics (formerly Invitae), Labcorp
Classification: Uncertain significance for Autosomal dominant Parkinson disease 8. Last evaluated: 2024-06-22. Review status: criteria provided, single submitter. Criteria: Invitae Variant Classification Sherloc (09022015). Collection method: clinical testing. Allele origin: germline.
Comment: This sequence change replaces arginine, which is basic and polar, with glutamine, which is neutral and polar, at codon 2523 of the LRRK2 protein (p.Arg2523Gln). This variant is present in population databases (rs202179421, gnomAD 0.003%). This variant has not been reported in the literature in individuals affected with LRRK2-related conditions. Advanced modeling of protein sequence and biophysical properties (such as structural, functional, and spatial information, amino acid conservation, physicochemical variation, residue mobility, and thermodynamic stability) performed at Invitae indicates that this missense variant is not expected to disrupt LRRK2 protein function with a negative predictive value of 80%. In summary, the available evidence is currently insufficient to determine the role of this variant in disease. Therefore, it has been classified as a Variant of Uncertain Significance.